The following is an entry in ClinVar:

NM_032043.3(BRIP1):c.2905+2T>C

Gene: BRIP1 (BRCA1 interacting DNA helicase 1; minus strand). Cytogenetic location: 17q23.2.
Variant type: single nucleotide variant.
Coding change: c.2905+2T>C on transcript NM_032043.3 (MANE Select); the canonical splice donor site of the intron after coding-DNA position 2905, T replaced by C.
Molecular consequence: splice donor variant.
Genome position (GRCh38, 1-based): chr17:61,685,834, A>G on the plus strand (T>C on the coding strand, the complement: BRIP1 is on the minus strand). VCF-style: chr17-61685834-A-G. GRCh37 (hg19) VCF-style: chr17-59763195-A-G.
Identifiers: ClinVar variation 821957 (VCV000821957.5), dbSNP rs1603276502, ClinGen allele CA400481083.

ClinVar aggregate classification (germline): Likely pathogenic (1 of 4 stars; one submission).

Conditions:
Hereditary cancer-predisposing syndrome. Also called: Tumor predisposition; Hereditary Cancer Syndrome; Neoplastic Syndromes, Hereditary; Hereditary neoplastic syndrome. Identifiers: Orphanet 140162, MedGen C0027672, MeSH D009386, MONDO:0015356.

Submission:

Ambry Genetics
Classification: Likely pathogenic for Hereditary cancer-predisposing syndrome. Last evaluated: 2023-03-21. Review status: criteria provided, single submitter. Criteria: Ambry Variant Classification Scheme 2023. Collection method: clinical testing. Allele origin: germline.
Comment: The c.2905+2T>C intronic variant results from a T to C substitution two nucleotides after coding exon 18 in the BRIP1 gene. This nucleotide position is highly conserved in available vertebrate species. In silico splice site analysis predicts that this alteration will weaken the native splice donor site. RNA studies have demonstrated that this alteration results in abnormal splicing in the set of samples tested (Ambry internal data). The resulting transcript is predicted to be in-frame and is not expected to trigger nonsense-mediated mRNA decay. The exact functional effect of the altered amino acid sequence is unknown; however, the impacted region is critical for protein function (Ambry internal data). Based on the majority of available evidence to date, this variant is likely to be pathogenic.